The following is an entry in ClinVar:

NM_001267550.2(TTN):c.86821+1G>A

Genes: TTN-AS1 (TTN antisense RNA 1; plus strand), TTN (titin; minus strand). Cytogenetic location: 2q31.2.
Variant type: single nucleotide variant.
Coding change: c.86821+1G>A on transcript NM_001267550.2 (MANE Select); the canonical splice donor site of the intron after coding-DNA position 86821, G replaced by A.
Molecular consequence: splice donor variant.
Genome position (GRCh38, 1-based): chr2:178,559,310, C>T on the plus strand (G>A on the coding strand, the complement: TTN is on the minus strand). VCF-style: chr2-178559310-C-T. GRCh37 (hg19) VCF-style: chr2-179424037-C-T.
Other names: c.59626+1G>A (NM_003319.4); c.60202+1G>A (NM_133437.4); c.60001+1G>A (NM_133432.3); c.79117+1G>A (NM_133378.4); c.81898+1G>A (NM_001256850.1).
Identifiers: ClinVar variation 1359564 (VCV001359564.9), dbSNP rs1702741860, ClinGen allele CA349541256.

ClinVar aggregate classification (germline): Pathogenic/Likely pathogenic. Review status: criteria provided, multiple submitters, no conflicts (2 of 4 stars). 2 submissions from 2 submitters: Pathogenic (1); Likely pathogenic (1). Last evaluated 2025-05-01.

Conditions:
Dilated cardiomyopathy 1G (CMD1G). Identifiers: Orphanet 154, MedGen C1858763, MONDO:0011400, OMIM 604145.
Autosomal recessive limb-girdle muscular dystrophy type 2J (LGMDR10). Also called: Limb-girdle muscular dystrophy, type 2J; MUSCULAR DYSTROPHY, LIMB-GIRDLE, AUTOSOMAL RECESSIVE 10. Identifiers: Orphanet 140922, MedGen C1837342, MONDO:0012127, OMIM 608807.
Cardiovascular phenotype. Identifiers: MedGen CN230736.

Submissions (2):

Ambry Genetics
Classification: Likely pathogenic for Cardiovascular phenotype. Last evaluated: 2025-05-01. Review status: criteria provided, single submitter. Criteria: Ambry Variant Classification Scheme 2023. Collection method: clinical testing. Allele origin: germline.
Comment: The c.59626+1G>A intronic variant results from a G to A substitution one nucleotide after coding exon 153 of the TTN gene. This exon is located in the A-band region of the N2-B isoform of the titin protein and is constitutively expressed in TTN transcripts (percent spliced in or PSI 100%). This variant is considered to be rare based on population cohorts in the Genome Aggregation Database (gnomAD). This nucleotide position is highly conserved in available vertebrate species. In silico splice site analysis predicts that this alteration will weaken the native splice donor site. This variant disrupts the canonical splice site and is expected to cause aberrant splicing, resulting in an abnormal protein or a transcript that is subject to nonsense-mediated mRNA decay. While loss of function variants in TTN are present in 1-3% of the general population, truncating variants (a category that includes canonical splice site variants) in the A-band are the most common cause of dilated cardiomyopathy (DCM) (Herman DS et al. N. Engl. J. Med., 2012 Feb;366:619-28; Roberts AM et al. Sci Transl Med, 2015 Jan;7:270ra6). TTN truncating variants encoded in constitutive exons (PSI >90%) have been found to be significantly associated with DCM regardless of their position in titin (Schafer S et al. Nat. Genet., 2017 01;49:46-53; Akhtar MM et al. Circ Heart Fail, 2020 Oct;13:e006832; Massier M et al. Clin Genet, 2025 Jan). Based on the majority of available evidence to date, this variant is likely to be pathogenic.

Labcorp Genetics (formerly Invitae), Labcorp
Classification: Pathogenic for Dilated cardiomyopathy 1G; Autosomal recessive limb-girdle muscular dystrophy type 2J. Last evaluated: 2021-04-29. Review status: criteria provided, single submitter. Criteria: Invitae Variant Classification Sherloc (09022015). Collection method: clinical testing. Allele origin: germline.
Comment: This variant is located in the A band of TTN (PMID: 25589632). Truncating variants in this region are significantly overrepresented in patients affected with dilated cardiomyopathy (PMID: 25589632). Truncating variants in this region have also been reported in individuals affected with autosomal recessive centronuclear myopathy (PMID: 23975875). For these reasons, this variant has been classified as Pathogenic. Disruption of this splice site has been observed in individual(s) with clinical features of dilated cardiomyopathy (PMID: 22335739, 23418287, Invitae). It has also been observed to segregate with disease in related individuals. This variant is not present in population databases (ExAC no frequency). This sequence change affects a donor splice site in intron 326 of the TTN gene. It is expected to disrupt RNA splicing and likely results in a truncated or disrupted TTN protein.

Literature cited by the submitters: PubMed 25589632 (cited by Labcorp Genetics (formerly Invitae), Labcorp); PubMed 23975875 (cited by Labcorp Genetics (formerly Invitae), Labcorp); PubMed 22335739 (cited by Labcorp Genetics (formerly Invitae), Labcorp); PubMed 23418287 (cited by Labcorp Genetics (formerly Invitae), Labcorp).